The following is an entry in ClinVar:

ClinVar aggregate classification (germline): Uncertain significance. Review status: criteria provided, multiple submitters, no conflicts (2 of 4 stars). 2 submissions from 2 submitters: Uncertain significance (2). Last evaluated 2025-07-21.

Conditions:
FLNB-related disorder. Also called: FLNB-related condition; FLNB-related disorders. Identifiers: MedGen CN381095.

Submissions (2):

Labcorp Genetics (formerly Invitae), Labcorp
Classification: Uncertain significance. Last evaluated: 2025-07-21. Review status: criteria provided, single submitter. Criteria: Invitae Variant Classification Sherloc (09022015). Collection method: clinical testing. Allele origin: germline.
Comment: This sequence change replaces proline, which is neutral and non-polar, with histidine, which is basic and polar, at codon 420 of the FLNB protein (p.Pro420His). This variant is not present in population databases (gnomAD no frequency). This variant has not been reported in the literature in individuals affected with FLNB-related conditions. ClinVar contains an entry for this variant (Variation ID: 2633795). Invitae Evidence Modeling of protein sequence and biophysical properties (such as structural, functional, and spatial information, amino acid conservation, physicochemical variation, residue mobility, and thermodynamic stability) indicates that this missense variant is expected to disrupt FLNB protein function with a positive predictive value of 80%. In summary, the available evidence is currently insufficient to determine the role of this variant in disease. Therefore, it has been classified as a Variant of Uncertain Significance.

PreventionGenetics, part of Exact Sciences
Classification: Uncertain significance for FLNB-related condition. Last evaluated: 2023-04-03. Review status: criteria provided, single submitter. Criteria: ACMG Guidelines, 2015. Collection method: clinical testing. Allele origin: germline.
Comment: The FLNB c.1259C>A variant is predicted to result in the amino acid substitution p.Pro420His. To our knowledge, this variant has not been reported in the literature or in a large population database, indicating this variant is rare. At this time, the clinical significance of this variant is uncertain due to the absence of conclusive functional and genetic evidence.

NM_001457.4(FLNB):c.1259C>A (p.Pro420His)

Gene: FLNB (filamin B; plus strand). Cytogenetic location: 3p14.3.
Variant type: single nucleotide variant.
Coding change: c.1259C>A on transcript NM_001457.4 (MANE Select); coding-DNA position 1259, C replaced by A.
Protein change: p.Pro420His; replaces proline 420 with histidine.
Molecular consequence: missense variant.
Genome position (GRCh38, 1-based): chr3:58,098,822, C>A. VCF-style: chr3-58098822-C-A. GRCh37 (hg19) VCF-style: chr3-58084549-C-A.
Other names: c.1259C>A, p.Pro420His (NM_001164317.2, NM_001164318.2, NM_001164319.2); short protein forms P420H.
Identifiers: ClinVar variation 2633795 (VCV002633795.2), dbSNP rs1270447838, ClinGen allele CA353336973.